The following is an entry in ClinVar:

NM_001348800.3(ZBTB20):c.1165T>G (p.Ser389Ala)

Gene: ZBTB20 (zinc finger and BTB domain containing 20; minus strand). Cytogenetic location: 3q13.31.
Variant type: single nucleotide variant.
Coding change: c.1165T>G on transcript NM_001348800.3 (MANE Select); coding-DNA position 1165, T replaced by G.
Protein change: p.Ser389Ala; replaces serine 389 with alanine.
Molecular consequence: missense variant.
Genome position (GRCh38, 1-based): chr3:114,350,913, A>C on the plus strand (T>G on the coding strand, the complement: ZBTB20 is on the minus strand). VCF-style: chr3-114350913-A-C. GRCh37 (hg19) VCF-style: chr3-114069760-A-C.
Other names: c.1165T>G, p.Ser389Ala (NM_001164342.2, NM_001348803.3, NM_001393393.1 and 1 more transcripts); c.946T>G, p.Ser316Ala (NM_001164343.2, NM_001164344.4, NM_001164345.4 and 9 more transcripts); short protein forms S316A, S389A.
Identifiers: ClinVar variation 3252403 (VCV003252403.1), dbSNP rs2550502485.

ClinVar aggregate classification (germline): Uncertain significance (1 of 4 stars; one submission).

Submission:

GeneDx
Classification: Uncertain significance. Last evaluated: 2023-12-07. Review status: criteria provided, single submitter. Criteria: GeneDx Variant Classification Process June 2021. Collection method: clinical testing. Allele origin: germline. Affected: yes.
Comment: Not observed at significant frequency in large population cohorts (gnomAD); In silico analysis supports that this missense variant does not alter protein structure/function; Has not been previously published as pathogenic or benign to our knowledge